The following is an entry in ClinVar:

ClinVar aggregate classification (germline): Pathogenic/Likely pathogenic. Review status: criteria provided, multiple submitters, no conflicts (2 of 4 stars). 5 submissions from 5 submitters: Pathogenic (3); Likely pathogenic (2). Last evaluated 2025-04-07.

Conditions:
Leukodystrophy, hypomyelinating, 6. Also called: TUBB4A-Associated Leukodystrophy; LEUKODYSTROPHY, HYPOMYELINATING, WITH ATROPHY OF THE BASAL GANGLIA AND CEREBELLUM; Hypomyelination with Atrophy of Basal Ganglia and Cerebellum (H-ABC). Identifiers: Orphanet 139441, MedGen C2676244, MONDO:0012905, OMIM 612438.
TUBB4A-related disorder. Also called: TUBB4A-related condition.
Torsion dystonia 4. Also called: DYSTONIA MUSCULORUM DEFORMANS 4; DYT-TUBB4A (Autosomal Dominant Torsion Dystonia). Identifiers: Orphanet 98805, MedGen C1851943, MONDO:0007493, OMIM 128101.

Submissions (5):

Labcorp Genetics (formerly Invitae), Labcorp
Classification: Pathogenic for Leukodystrophy, hypomyelinating, 6. Last evaluated: 2025-04-07. Review status: criteria provided, single submitter. Criteria: Invitae Variant Classification Sherloc (09022015). Collection method: clinical testing. Allele origin: germline.
Comment: This sequence change replaces glycine, which is neutral and non-polar, with arginine, which is basic and polar, at codon 96 of the TUBB4A protein (p.Gly96Arg). This variant is not present in population databases (gnomAD no frequency). This missense change has been observed in individual(s) with clinical features of TUBB4A-related conditions (PMID: 28592043, 28791129, 31692161; internal data). In at least one individual the variant was observed to be de novo. This variant is also known as c.70G>A and c.439G>A. ClinVar contains an entry for this variant (Variation ID: 429952). Invitae Evidence Modeling of protein sequence and biophysical properties (such as structural, functional, and spatial information, amino acid conservation, physicochemical variation, residue mobility, and thermodynamic stability) indicates that this missense variant is expected to disrupt TUBB4A protein function with a positive predictive value of 80%. For these reasons, this variant has been classified as Pathogenic.

Institute of Medical Genetics and Applied Genomics, University Hospital Tübingen
Classification: Likely pathogenic for Leukodystrophy, hypomyelinating, 6. Last evaluated: 2024-08-02. Review status: criteria provided, single submitter. Criteria: ACMG Guidelines, 2015. Collection method: clinical testing. Allele origin: germline. Inheritance: Autosomal dominant inheritance. Affected: yes.

Blueprint Genetics
Classification: Pathogenic for TUBB4A-related disorders. Last evaluated: 2024-06-25. Review status: criteria provided, single submitter. Criteria: ACMG Guidelines, 2015. Collection method: clinical testing. Allele origin: germline. Affected: yes. Observed: 1 variant allele.

GeneDx
Classification: Pathogenic. Last evaluated: 2021-08-03. Review status: criteria provided, single submitter. Criteria: GeneDx Variant Classification Process June 2021. Collection method: clinical testing. Allele origin: germline. Affected: yes.
Comment: Not observed at significant frequency in large population cohorts (Lek et al., 2016); In silico analysis supports that this missense variant has a deleterious effect on protein structure/function; This variant is associated with the following publications: (PMID: 33144682, 24785942, 31692161, 28592043, 28791129)

CeGaT Center for Human Genetics Tuebingen
Classification: Likely pathogenic. Last evaluated: 2018-01-01. Review status: criteria provided, single submitter. Criteria: CeGaT Center For Human Genetics Tuebingen Variant Classification Criteria Version 2. Collection method: clinical testing. Allele origin: germline. Affected: yes. Observed: 1 variant allele.

Literature cited by the submitters: PubMed 28592043 (cited by Labcorp Genetics (formerly Invitae), Labcorp); PubMed 28791129 (cited by Labcorp Genetics (formerly Invitae), Labcorp); PubMed 31692161 (cited by Labcorp Genetics (formerly Invitae), Labcorp).

NM_006087.4(TUBB4A):c.286G>A (p.Gly96Arg)

Gene: TUBB4A (tubulin beta 4A class IVa; minus strand). Cytogenetic location: 19p13.3.
Variant type: single nucleotide variant.
Coding change: c.286G>A on transcript NM_006087.4 (MANE Select); coding-DNA position 286, G replaced by A.
Protein change: p.Gly96Arg; replaces glycine 96 with arginine.
Molecular consequence: missense variant.
Genome position (GRCh38, 1-based): chr19:6,496,213, C>T on the plus strand (G>A on the coding strand, the complement: TUBB4A is on the minus strand). VCF-style: chr19-6496213-C-T. GRCh37 (hg19) VCF-style: chr19-6496224-C-T.
Other names: c.439G>A, p.Gly147Arg (NM_001289123.2); c.421G>A, p.Gly141Arg (NM_001289127.2); c.286G>A, p.Gly96Arg (NM_001289129.2); c.70G>A, p.Gly24Arg (NM_001289130.2, NM_001289131.2); short protein forms G147R, G96R, G141R, G24R.
Identifiers: ClinVar variation 429952 (VCV000429952.53), dbSNP rs1131691696, ClinGen allele CA403593000.
Genomic context (GRCh38, chr19:6,496,213, plus strand): 5'-CAGCGTCCACCAGCTCTGCGCCCTCCGTGTAGTGCCCCTTTGCCCAGTTGTTGCCGGCTC[C>T]GGATTGGCCTAGAGAGGGAAGGGGAGGGGACACACATGCAGTTATGGGGAGCCCCAACCC-3'
Protein context (NP_006078.2, residues 86-106): RPDNFVFGQS[Gly96Arg]AGNNWAKGHY